The following is an entry in ClinVar:

ClinVar aggregate classification (germline): Uncertain significance (1 of 4 stars; one submission).

Conditions:
D-2-hydroxyglutaric aciduria 1 (D2HGA1). Identifiers: Orphanet 79315, MedGen C3152055, MONDO:0024554, OMIM 600721.

Allele frequency attached by ClinVar (database versions not stated): TOPMed below 0.00001.

Submission:

Labcorp Genetics (formerly Invitae), Labcorp
Classification: Uncertain significance for D-2-hydroxyglutaric aciduria 1. Last evaluated: 2023-12-07. Review status: criteria provided, single submitter. Criteria: Invitae Variant Classification Sherloc (09022015). Collection method: clinical testing. Allele origin: germline.
Comment: This sequence change replaces glycine, which is neutral and non-polar, with aspartic acid, which is acidic and polar, at codon 355 of the D2HGDH protein (p.Gly355Asp). This variant is not present in population databases (gnomAD no frequency). This variant has not been reported in the literature in individuals affected with D2HGDH-related conditions. ClinVar contains an entry for this variant (Variation ID: 1003177). Advanced modeling of protein sequence and biophysical properties (such as structural, functional, and spatial information, amino acid conservation, physicochemical variation, residue mobility, and thermodynamic stability) performed at Invitae indicates that this missense variant is not expected to disrupt D2HGDH protein function with a negative predictive value of 80%. In summary, the available evidence is currently insufficient to determine the role of this variant in disease. Therefore, it has been classified as a Variant of Uncertain Significance.

NM_152783.5(D2HGDH):c.1064G>A (p.Gly355Asp)

Gene: D2HGDH (D-2-hydroxyglutarate dehydrogenase; plus strand). Cytogenetic location: 2q37.3.
Variant type: single nucleotide variant.
Coding change: c.1064G>A on transcript NM_152783.5 (MANE Select); coding-DNA position 1064, G replaced by A.
Protein change: p.Gly355Asp; replaces glycine 355 with aspartic acid.
Molecular consequence: missense variant.
Genome position (GRCh38, 1-based): chr2:241,751,312, G>A. VCF-style: chr2-241751312-G-A. GRCh37 (hg19) VCF-style: chr2-242690727-G-A.
Other names: c.662G>A, p.Gly221Asp (NM_001287249.2); c.503G>A, p.Gly168Asp (NM_001352824.2); short protein forms G168D, G221D, G355D.
Identifiers: ClinVar variation 1003177 (VCV001003177.6), dbSNP rs1697160410, ClinGen allele CA351408738.